The following is an entry in ClinVar:

NM_012330.4(KAT6B):c.5101C>T (p.Gln1701Ter)

Gene: KAT6B (lysine acetyltransferase 6B; plus strand). Cytogenetic location: 10q22.2.
Variant type: single nucleotide variant.
Coding change: c.5101C>T on transcript NM_012330.4 (MANE Select); coding-DNA position 5101, C replaced by T.
Protein change: p.Gln1701Ter; replaces glutamine 1701 with a stop codon.
Molecular consequence: nonsense.
Genome position (GRCh38, 1-based): chr10:75,029,925, C>T. VCF-style: chr10-75029925-C-T. GRCh37 (hg19) VCF-style: chr10-76789683-C-T.
Other names: c.4552C>T, p.Gln1518Ter (NM_001256468.2, NM_001370138.1); c.4225C>T, p.Gln1409Ter (NM_001256469.2, NM_001370139.1, NM_001370140.1 and 2 more transcripts); c.4063C>T, p.Gln1355Ter (NM_001370132.1); c.3412C>T, p.Gln1138Ter (NM_001370133.1); c.3016C>T, p.Gln1006Ter (NM_001370134.1); c.2758C>T, p.Gln920Ter (NM_001370135.1); c.5101C>T, p.Gln1701Ter (NM_001370136.1, NM_001370137.1); c.4036C>T, p.Gln1346Ter (NM_001370143.1, NM_001370144.1); short protein forms Q1701*, Q1006*, Q1138*, Q1346*, Q920*, Q1355*, Q1409*, Q1518*.
Identifiers: ClinVar variation 280733 (VCV000280733.2), dbSNP rs886041883, ClinGen allele CA10603066.

ClinVar aggregate classification (germline): Pathogenic (1 of 4 stars; one submission).

Submission:

GeneDx
Classification: Pathogenic. Last evaluated: 2017-02-16. Review status: criteria provided, single submitter. Criteria: GeneDx Variant Classification (06012015). Collection method: clinical testing. Allele origin: germline. Affected: yes.
Comment: The Q1701X pathogenic variant in the KAT6B gene has not been reported previously as a pathogenic variant nor as a benign variant, to our knowledge. This variant is predicted to cause loss of normal protein function through protein truncation. The Q1701X variant was not observed in approximately 6,500 individuals of European and African American ancestry in the NHLBI Exome Sequencing Project, indicating it is not a common benign variant in these populations. We interpret Q1701X as a pathogenic variant.